The following is an entry in ClinVar:

ClinVar aggregate classification (germline): Pathogenic (1 of 4 stars; one submission).

Conditions:
Peroxisome biogenesis disorder. Identifiers: Orphanet 79189, MedGen C1832200, MONDO:0019234. Disease mechanism: loss of function.

Submission:

Myriad Genetics, Inc.
Classification: Pathogenic for Peroxisome biogenesis disorder. Last evaluated: 2023-09-11. Review status: criteria provided, single submitter. Criteria: Myriad Autosomal Dominant, Autosomal Recessive and X-Linked Classification Criteria (2023). Collection method: clinical testing. Allele origin: unknown.
Comment: NM_000466.2(PEX1):c.1061delC(S354Yfs*12) is expected to be pathogenic in the context of peroxisome biogenesis disorder type 1. This variant is predicted to lead to an abnormal or absent protein product due to the creation of a premature termination codon in PEX1, a gene where loss-of-function variants are known to be pathogenic. Please note: this variant was assessed in the context of healthy population screening.

NM_000466.3(PEX1):c.1061del (p.Ser354fs)

Gene: PEX1 (peroxisomal biogenesis factor 1; minus strand). Cytogenetic location: 7q21.2.
Variant type: Deletion.
Coding change: c.1061del on transcript NM_000466.3 (MANE Select); coding-DNA position 1061, one base deleted (C; older notation c.1061delC).
Protein change: p.Ser354fs; shifts the reading frame from serine 354.
Molecular consequence: frameshift variant.
Genome position (GRCh38, 1-based): chr7:92,517,454, G deleted on the plus strand (C on the coding strand, the reverse complement: PEX1 is on the minus strand). VCF-style (leftmost placement, unchanged base first): chr7-92517453-TG-T. GRCh37 (hg19) VCF-style: chr7-92146767-TG-T.
Other names: c.1061del, p.Ser354fs (NM_001282677.2); c.437del, p.Ser146fs (NM_001282678.2); short protein forms S146fs, S354fs.
Identifiers: ClinVar variation 5011642 (VCV005011642.1).
Genomic context (GRCh38, chr7:92,517,453, plus strand): 5'-ATGATCTGACCTAATTTTTTTTTGATCTAGTGGCTCTGACATCTGCTTCTCTTTTTCAGG[TG>T]ATAACACATTTTGTTTTGTTTTACTTTGCTGTTGCTTTGGAGAAAGTAGCTTAACTAGCT-3'